The following is an entry in ClinVar:

NM_024408.4(NOTCH2):c.4045G>A (p.Val1349Met)

Gene: NOTCH2 (notch receptor 2; minus strand). Cytogenetic location: 1p12.
Variant type: single nucleotide variant.
Coding change: c.4045G>A on transcript NM_024408.4 (MANE Select); coding-DNA position 4045, G replaced by A.
Protein change: p.Val1349Met; replaces valine 1349 with methionine.
Molecular consequence: missense variant.
Genome position (GRCh38, 1-based): chr1:119,925,771, C>T on the plus strand (G>A on the coding strand, the complement: NOTCH2 is on the minus strand). VCF-style: chr1-119925771-C-T. GRCh37 (hg19) VCF-style: chr1-120468394-C-T.
Other names: short protein forms V1349M.
Identifiers: ClinVar variation 957978 (VCV000957978.11), dbSNP rs776129840, ClinGen allele CA1039918.
Genomic context (GRCh38, chr1:119,925,771, plus strand): 5'-GGCAGAAGCAGCGGGGTCCAGAGGCGGTGTGCACACACTGCTCCCCCTTCCTACATTTCA[C>T]TTGTCCACAGCTGCTCTGGCACCTTGCCCCGGAAAATCCCTGTGGAAATCAGTGAGGAAA-3'
Protein context (NP_077719.2, residues 1339-1359): GARCQSSCGQ[Val1349Met]KCRKGEQCVH

ClinVar aggregate classification (germline): Uncertain significance. Review status: criteria provided, multiple submitters, no conflicts (2 of 4 stars). 2 submissions from 2 submitters: Uncertain significance (2). Last evaluated 2026-01-07.

Conditions:
Hajdu-Cheney syndrome (HJCYS). Also called: ACROOSTEOLYSIS WITH OSTEOPOROSIS AND CHANGES IN SKULL AND MANDIBLE; Acroosteolysis dominant type; SERPENTINE FIBULA-POLYCYSTIC KIDNEY SYNDROME. Identifiers: Orphanet 955, MedGen C0917715, MONDO:0007057, OMIM 102500.
NOTCH2-related disorder. Also called: NOTCH2-related condition.

Allele frequency attached by ClinVar (database versions not stated): gnomAD exomes below 0.00001; ExAC 0.00001.
gnomAD v4.1: 1 of 1,614,158 alleles (0.000062%); highest among the groups gnomAD compares: Non-Finnish European, 0.000085%; no homozygotes.

Submissions (2):

PreventionGenetics, part of Exact Sciences
Classification: Uncertain significance for NOTCH2-related condition. Last evaluated: 2026-01-07. Review status: criteria provided, single submitter. Criteria: ACMG Guidelines, 2015. Collection method: clinical testing. Allele origin: germline.
Comment: The NOTCH2 c.4045G>A variant is predicted to result in the amino acid substitution p.Val1349Met. To our knowledge, this variant has not been reported in the literature. This variant is reported in 0.00090% of alleles in individuals of European (Non-Finnish) descent in gnomAD. At this time, the clinical significance of this variant is uncertain due to the absence of conclusive functional and genetic evidence.

Labcorp Genetics (formerly Invitae), Labcorp
Classification: Uncertain significance for Hajdu-Cheney syndrome. Last evaluated: 2019-07-30. Review status: criteria provided, single submitter. Criteria: Invitae Variant Classification Sherloc (09022015). Collection method: clinical testing. Allele origin: germline.
Comment: In summary, the available evidence is currently insufficient to determine the role of this variant in disease. Therefore, it has been classified as a Variant of Uncertain Significance. Algorithms developed to predict the effect of missense changes on protein structure and function output the following: SIFT: "Tolerated"; PolyPhen-2: "Benign"; Align-GVGD: "Class C0". The methionine amino acid residue is found in multiple mammalian species, suggesting that this missense change does not adversely affect protein function. These predictions have not been confirmed by published functional studies and their clinical significance is uncertain. This variant has not been reported in the literature in individuals with NOTCH2-related conditions. This variant is present in population databases (rs776129840, ExAC 0.002%). This sequence change replaces valine with methionine at codon 1349 of the NOTCH2 protein (p.Val1349Met). The valine residue is highly conserved and there is a small physicochemical difference between valine and methionine.